The following is an entry in ClinVar:

ClinVar aggregate classification (germline): Pathogenic (1 of 4 stars; one submission).

Conditions:
Primary ciliary dyskinesia 3. Identifiers: Orphanet 244, MedGen C1837618, MONDO:0012085, OMIM 608644.

Submission:

Myriad Genetics, Inc.
Classification: Pathogenic for Primary ciliary dyskinesia 3. Last evaluated: 2024-05-14. Review status: criteria provided, single submitter. Criteria: Myriad Autosomal Dominant, Autosomal Recessive and X-Linked Classification Criteria (2023). Collection method: clinical testing. Allele origin: unknown.
Comment: NM_001369.2(DNAH5):c.11474_11475del2ins9(I3825Sfs*10) is expected to be pathogenic in the context of primary ciliary dyskinesia, DNAH5-related. This variant is predicted to lead to an abnormal or absent protein product due to the creation of a premature termination codon in DNAH5, a gene where loss-of-function variants are known to be pathogenic. Please note: this variant was assessed in the context of healthy population screening.

NM_001369.3(DNAH5):c.11474_11475delinsGCACGACGA (p.Ile3825fs)

Gene: DNAH5 (dynein axonemal heavy chain 5; minus strand). Cytogenetic location: 5p15.2.
Variant type: Indel.
Coding change: c.11474_11475delinsGCACGACGA on transcript NM_001369.3 (MANE Select); coding-DNA positions 11474 to 11475, TC replaced by GCACGACGA.
Protein change: p.Ile3825fs; shifts the reading frame from isoleucine 3825.
Molecular consequence: frameshift variant.
Genome position (GRCh38, 1-based): chr5:13,735,913-13,735,914, GA replaced by TCGTCGTGC on the plus strand (TC replaced by GCACGACGA on the coding strand, the reverse complement: DNAH5 is on the minus strand). VCF-style: chr5-13735913-GA-TCGTCGTGC. GRCh37 (hg19) VCF-style: chr5-13736022-GA-TCGTCGTGC.
Other names: short protein forms I3825fs.
Identifiers: ClinVar variation 5010609 (VCV005010609.1).